The following is an entry in ClinVar:

NM_002485.5(NBN):c.1028C>G (p.Ser343Ter)

Gene: NBN (nibrin; minus strand). Cytogenetic location: 8q21.3.
Variant type: single nucleotide variant.
Coding change: c.1028C>G on transcript NM_002485.5 (MANE Select); coding-DNA position 1028, C replaced by G.
Protein change: p.Ser343Ter; replaces serine 343 with a stop codon.
Molecular consequence: nonsense.
Genome position (GRCh38, 1-based): chr8:89,958,821, G>C on the plus strand (C>G on the coding strand, the complement: NBN is on the minus strand). VCF-style: chr8-89958821-G-C. GRCh37 (hg19) VCF-style: chr8-90971049-G-C.
Other names: c.782C>G, p.Ser261Ter (NM_001024688.3); short protein forms S261*, S343*.
Identifiers: ClinVar variation 1453469 (VCV001453469.8), dbSNP rs1810856747, ClinGen allele CA371656756.

ClinVar aggregate classification (germline): Pathogenic. Review status: criteria provided, multiple submitters, no conflicts (2 of 4 stars). 2 submissions from 2 submitters: Pathogenic (2). Last evaluated 2022-02-10.

Conditions:
Microcephaly, normal intelligence and immunodeficiency (NBS). Also called: BERLIN BREAKAGE SYNDROME; Immunodeficiency, microcephaly with normal intelligence; IMMUNODEFICIENCY, MICROCEPHALY, AND CHROMOSOMAL INSTABILITY; SEEMANOVA SYNDROME II; Ataxia telangiectasia variant V1; Nijmegen breakage syndrome. Identifiers: Orphanet 647, MedGen C0398791, MONDO:0009623, OMIM 251260.
Hereditary cancer-predisposing syndrome. Also called: Hereditary Cancer Syndrome; Hereditary neoplastic syndrome; Tumor predisposition; Neoplastic Syndromes, Hereditary. Identifiers: Orphanet 140162, MedGen C0027672, MeSH D009386, MONDO:0015356.

Submissions (2):

Labcorp Genetics (formerly Invitae), Labcorp
Classification: Pathogenic for Microcephaly, normal intelligence and immunodeficiency. Last evaluated: 2022-02-10. Review status: criteria provided, single submitter. Criteria: Invitae Variant Classification Sherloc (09022015). Collection method: clinical testing. Allele origin: germline.
Comment: For these reasons, this variant has been classified as Pathogenic. This variant has not been reported in the literature in individuals affected with NBN-related conditions. This variant is not present in population databases (gnomAD no frequency). This sequence change creates a premature translational stop signal (p.Ser343*) in the NBN gene. It is expected to result in an absent or disrupted protein product. Loss-of-function variants in NBN are known to be pathogenic (PMID: 9590180, 16415040).

Ambry Genetics
Classification: Pathogenic for Hereditary cancer-predisposing syndrome. Last evaluated: 2021-12-22. Review status: criteria provided, single submitter. Criteria: Ambry Variant Classification Scheme 2023. Collection method: clinical testing. Allele origin: germline.
Comment: The p.S343* pathogenic mutation (also known as c.1028C>G), located in coding exon 9 of the NBN gene, results from a C to G substitution at nucleotide position 1028. This changes the amino acid from a serine to a stop codon within coding exon 9. This variant is considered to be rare based on population cohorts in the Genome Aggregation Database (gnomAD). This alteration is expected to result in loss of function by premature protein truncation or nonsense-mediated mRNA decay. As such, this alteration is interpreted as a disease-causing mutation.

Literature cited by the submitters: PubMed 9590180 (cited by Labcorp Genetics (formerly Invitae), Labcorp); PubMed 16415040 (cited by Labcorp Genetics (formerly Invitae), Labcorp).